The following is an entry in ClinVar:

NM_020318.3(PAPPA2):c.1120C>T (p.Arg374Trp)

Gene: PAPPA2 (pappalysin 2; plus strand). Cytogenetic location: 1q25.2.
Variant type: single nucleotide variant.
Coding change: c.1120C>T on transcript NM_020318.3 (MANE Select); coding-DNA position 1120, C replaced by T.
Protein change: p.Arg374Trp; replaces arginine 374 with tryptophan.
Molecular consequence: missense variant.
Genome position (GRCh38, 1-based): chr1:176,594,724, C>T. VCF-style: chr1-176594724-C-T. GRCh37 (hg19) VCF-style: chr1-176563860-C-T.
Other names: c.1120C>T, p.Arg374Trp (NM_021936.3); short protein forms R374W.
Identifiers: ClinVar variation 1707725 (VCV001707725.2), dbSNP rs373160106, ClinGen allele CA1257241.

ClinVar aggregate classification (germline): Uncertain significance (1 of 4 stars; one submission).

Allele frequency attached by ClinVar (database versions not stated): ESP Exome Variant Server 0.00016.
gnomAD v4.1: 224 of 1,614,108 alleles (0.014%); highest among the groups gnomAD compares: East Asian, 0.056%; 1 homozygote.

Submission:

GeneDx
Classification: Uncertain significance. Last evaluated: 2022-03-24. Review status: criteria provided, single submitter. Criteria: GeneDx Variant Classification Process June 2021. Collection method: clinical testing. Allele origin: germline. Affected: yes.
Comment: In silico analysis supports that this missense variant has a deleterious effect on protein structure/function; Has not been previously published as pathogenic or benign to our knowledge